The following is an entry in ClinVar:

NM_020184.4(CNNM4):c.2098G>A (p.Val700Ile)

Gene: CNNM4 (cyclin and CBS domain divalent metal cation transport mediator 4; plus strand). Cytogenetic location: 2q11.2.
Variant type: single nucleotide variant.
Coding change: c.2098G>A on transcript NM_020184.4 (MANE Select); coding-DNA position 2098, G replaced by A.
Protein change: p.Val700Ile; replaces valine 700 with isoleucine.
Molecular consequence: missense variant.
Genome position (GRCh38, 1-based): chr2:96,808,710, G>A. VCF-style: chr2-96808710-G-A. GRCh37 (hg19) VCF-style: chr2-97474447-G-A.
Other names: short protein forms V700I.
Identifiers: ClinVar variation 1415727 (VCV001415727.8), dbSNP rs748374767, ClinGen allele CA1783561.

ClinVar aggregate classification (germline): Uncertain significance (1 of 4 stars; one submission).

Allele frequency attached by ClinVar (database versions not stated): TOPMed below 0.00001; ExAC 0.00001; gnomAD exomes 0.00001.
gnomAD v4.1: 21 of 1,614,172 alleles (0.0013%); highest among the groups gnomAD compares: East Asian, 0.0022%; no homozygotes.

Submission:

Labcorp Genetics (formerly Invitae), Labcorp
Classification: Uncertain significance. Last evaluated: 2025-02-03. Review status: criteria provided, single submitter. Criteria: Invitae Variant Classification Sherloc (09022015). Collection method: clinical testing. Allele origin: germline.
Comment: This sequence change replaces valine, which is neutral and non-polar, with isoleucine, which is neutral and non-polar, at codon 700 of the CNNM4 protein (p.Val700Ile). This variant is present in population databases (rs748374767, gnomAD 0.003%). This variant has not been reported in the literature in individuals affected with CNNM4-related conditions. ClinVar contains an entry for this variant (Variation ID: 1415727). Invitae Evidence Modeling of protein sequence and biophysical properties (such as structural, functional, and spatial information, amino acid conservation, physicochemical variation, residue mobility, and thermodynamic stability) has been performed for this missense variant. However, the output from this modeling did not meet the statistical confidence thresholds required to predict the impact of this variant on CNNM4 protein function. In summary, the available evidence is currently insufficient to determine the role of this variant in disease. Therefore, it has been classified as a Variant of Uncertain Significance.